The following is an entry in ClinVar:

NM_153676.4(USH1C):c.851T>A (p.Leu284Gln)

Gene: USH1C (USH1 protein network component harmonin; minus strand). Cytogenetic location: 11p15.1.
Variant type: single nucleotide variant.
Coding change: c.851T>A on transcript NM_153676.4 (MANE Select); coding-DNA position 851, T replaced by A.
Protein change: p.Leu284Gln; replaces leucine 284 with glutamine.
Molecular consequence: missense variant. On other transcripts: non-coding transcript variant (1), intron variant (1).
Genome position (GRCh38, 1-based): chr11:17,523,236, A>T on the plus strand (T>A on the coding strand, the complement: USH1C is on the minus strand). VCF-style: chr11-17523236-A-T. GRCh37 (hg19) VCF-style: chr11-17544783-A-T.
Other names: c.851T>A, p.Leu284Gln (NM_005709.4); c.819+183T>A (NM_001297764.2); short protein forms L284Q.
Identifiers: ClinVar variation 303807 (VCV000303807.7), dbSNP rs756485601, ClinGen allele CA5904834.

ClinVar aggregate classification (germline): Uncertain significance. Review status: criteria provided, multiple submitters, no conflicts (2 of 4 stars). 3 submissions from 3 submitters: Uncertain significance (3). Last evaluated 2023-05-25.

Conditions:
Usher syndrome type 1C. Also called: USHER SYNDROME, TYPE I, ACADIAN VARIETY. Identifiers: Orphanet 231169, Orphanet 886, MedGen C1848604, MONDO:0010171, OMIM 276904.

Allele frequency attached by ClinVar (database versions not stated): gnomAD 0.00001; TOPMed 0.00002.
gnomAD v4.1: 13 of 1,614,068 alleles (0.00081%); highest among the groups gnomAD compares: Middle Eastern, 0.033%; no homozygotes.

Submissions (3):

GeneDx
Classification: Uncertain significance. Last evaluated: 2023-05-25. Review status: criteria provided, single submitter. Criteria: GeneDx Variant Classification Process June 2021. Collection method: clinical testing. Allele origin: germline. Affected: yes.
Comment: Not observed at significant frequency in large population cohorts (gnomAD); In silico analysis supports that this missense variant has a deleterious effect on protein structure/function; Has not been previously published as pathogenic or benign to our knowledge

Labcorp Genetics (formerly Invitae), Labcorp
Classification: Uncertain significance. Last evaluated: 2021-09-17. Review status: criteria provided, single submitter. Criteria: Invitae Variant Classification Sherloc (09022015). Collection method: clinical testing. Allele origin: germline.
Comment: This sequence change replaces leucine with glutamine at codon 284 of the USH1C protein (p.Leu284Gln). The leucine residue is highly conserved and there is a moderate physicochemical difference between leucine and glutamine. This variant is present in population databases (rs756485601, ExAC 0.004%). This variant has not been reported in the literature in individuals with USH1C-related conditions. ClinVar contains an entry for this variant (Variation ID: 303807). Algorithms developed to predict the effect of missense changes on protein structure and function (SIFT, PolyPhen-2, Align-GVGD) all suggest that this variant is likely to be disruptive, but these predictions have not been confirmed by published functional studies and their clinical significance is uncertain. In summary, the available evidence is currently insufficient to determine the role of this variant in disease. Therefore, it has been classified as a Variant of Uncertain Significance.

Illumina Laboratory Services, Illumina
Classification: Uncertain significance for Usher syndrome type 1C. Last evaluated: 2018-01-12. Review status: criteria provided, single submitter. Criteria: ICSL Variant Classification Criteria 13 December 2019. Collection method: clinical testing. Allele origin: germline.